The following is an entry in ClinVar:

NM_024675.4(PALB2):c.2990A>G (p.Asp997Gly)

Gene: PALB2 (partner and localizer of BRCA2; minus strand). Cytogenetic location: 16p12.2.
Variant type: single nucleotide variant.
Coding change: c.2990A>G on transcript NM_024675.4 (MANE Select); coding-DNA position 2990, A replaced by G.
Protein change: p.Asp997Gly; replaces aspartic acid 997 with glycine.
Molecular consequence: missense variant.
Genome position (GRCh38, 1-based): chr16:23,622,975, T>C on the plus strand (A>G on the coding strand, the complement: PALB2 is on the minus strand). VCF-style: chr16-23622975-T-C. GRCh37 (hg19) VCF-style: chr16-23634296-T-C.
Other names: short protein forms D997G.
Identifiers: ClinVar variation 628557 (VCV000628557.5), dbSNP rs1567213572, ClinGen allele CA395143856.
Genomic context (GRCh38, chr16:23,622,975, plus strand): 5'-GTGATAAAATCATTCTTCATCTAATAGTTAAAAATCAATCAATGCTTTTCTTACCCTCCA[T>C]CTTCTGCAAACGTCATGACTTCTACTTGTTGATCAGAAAGGGTCCCACTGCTACTAACTA-3'
Protein context (NP_078951.2, residues 987-1007): QQVEVMTFAE[Asp997Gly]GGGKENQFLM

ClinVar aggregate classification (germline): Uncertain significance (1 of 4 stars; one submission).

Conditions:
Hereditary cancer-predisposing syndrome. Also called: Neoplastic Syndromes, Hereditary; Tumor predisposition; Hereditary neoplastic syndrome; Hereditary Cancer Syndrome. Identifiers: Orphanet 140162, MedGen C0027672, MeSH D009386, MONDO:0015356.

Submission:

Color Diagnostics, LLC DBA Color Health
Classification: Uncertain significance for Hereditary cancer-predisposing syndrome. Last evaluated: 2023-12-04. Review status: criteria provided, single submitter. Criteria: ACMG Guidelines, 2015. Collection method: clinical testing. Allele origin: germline.
Comment: This missense variant replaces aspartic acid with glycine at codon 997 of the PALB2 protein. Computational prediction suggests that this variant may not impact protein structure and function (internally defined REVEL score threshold <= 0.5, PMID: 27666373). To our knowledge, functional studies have not been reported for this variant. This variant has not been reported in individuals affected with PALB2-related disorders in the literature. This variant has not been identified in the general population by the Genome Aggregation Database (gnomAD). The available evidence is insufficient to determine the role of this variant in disease conclusively. Therefore, this variant is classified as a Variant of Uncertain Significance.